The following is an entry in ClinVar:

ClinVar aggregate classification (germline): Likely pathogenic (1 of 4 stars; one submission).

Conditions:
Alzheimer disease 6. Also called: ALZHEIMER DISEASE 6, LATE-ONSET. Identifiers: Orphanet 1020, MedGen C1854187, MONDO:0011561, OMIM 605526.

Allele frequency attached by ClinVar (database versions not stated): gnomAD exomes below 0.00001; TOPMed below 0.00001.
gnomAD v4.1: 1 of 1,614,080 alleles (0.000062%); highest among the groups gnomAD compares: African/African-American, 0.0013%; no homozygotes.

Submission:

Diagnostics Services (NGS), CSIR - Centre For Cellular And Molecular Biology
Classification: Likely pathogenic for Alzheimer disease 6. Last evaluated: 2022-05-12. Review status: criteria provided, single submitter. Criteria: ACMG Guidelines, 2015. Collection method: clinical testing. Allele origin: unknown. Inheritance: Autosomal dominant inheritance. Affected: yes. Observed: 1 variant allele, 1 heterozygote.
Comment: The c.3421C>T variant is not present in publicly available population databases like 1000 Genomes, Exome Variant Server (EVS), Exome Aggregation Consortium (ExAC), Genome Aggregation Database (gnomAD) and Indian Exome Database. The variant is not present in our in-house exome database. The variant was not previously reported to ClinVar, Human Genome Mutation Database (HGMD) and/or OMIM databases, in any affected individuals. In-silico pathogenicity prediction programs like MutationTaster2, CADD, Varsome, InterVar etc. predicted this variant to be likely deleterious, however these predictions were not confirmed by any published functional studies.

Literature cited by the submitters: PubMed 21280075; PubMed 19241460.

NM_052918.5(SORCS1):c.3371+167C>T

Gene: SORCS1 (sortilin related VPS10 domain containing receptor 1; minus strand). Cytogenetic location: 10q25.1.
Variant type: single nucleotide variant.
Coding change: c.3371+167C>T on transcript NM_052918.5 (MANE Select); 167 bases into the intron after coding-DNA position 3371, C replaced by T.
Molecular consequence: intron variant. On other transcripts: nonsense (4), 3 prime UTR variant (1).
Genome position (GRCh38, 1-based): chr10:106,579,202, G>A on the plus strand (C>T on the coding strand, the complement: SORCS1 is on the minus strand). VCF-style: chr10-106579202-G-A. GRCh37 (hg19) VCF-style: chr10-108338960-G-A.
Other names: c.3421C>T, p.Gln1141Ter (NM_001013031.3, NM_001206569.2, NM_001206572.2 and 1 more transcripts); c.*58C>T (NM_001206571.2); c.3371+167C>T (NM_001206570.2); short protein forms Q1141*.
Identifiers: ClinVar variation 1691317 (VCV001691317.4), dbSNP rs1844748933, ClinGen allele CA378136856.
Genomic context (GRCh38, chr10:106,579,202, plus strand): 5'-GTTCAGTCTGAGGGACATTGGGCCTGCTTTCAGAGTGACTGACTGGACTGATCATCTCTT[G>A]TTCTTTCTCATTCTGCATCTGGGCATAAACATTAATCCCCGGGATCTTCCTAAAATATTA-3'